The following is an entry in ClinVar:

NM_001267550.2(TTN):c.21332T>C (p.Met7111Thr)

Genes: TTN (titin; minus strand), LOC126806428 (BRD4-independent group 4 enhancer GRCh37_chr2:179588362-179589561; plus strand). Cytogenetic location: 2q31.2.
Variant type: single nucleotide variant.
Coding change: c.21332T>C on transcript NM_001267550.2 (MANE Select); coding-DNA position 21332, T replaced by C.
Protein change: p.Met7111Thr; replaces methionine 7111 with threonine.
Molecular consequence: missense variant. On other transcripts: intron variant (3).
Genome position (GRCh38, 1-based): chr2:178,723,927, A>G on the plus strand (T>C on the coding strand, the complement: TTN is on the minus strand). VCF-style: chr2-178723927-A-G. GRCh37 (hg19) VCF-style: chr2-179588654-A-G.
Other names: p.M6794T:ATG>ACG; c.20381T>C, p.Met6794Thr (NM_001256850.1); c.17600T>C, p.Met5867Thr (NM_133378.4); c.13282+14155T>C (NM_003319.4); c.13858+14155T>C (NM_133437.4); c.13657+14155T>C (NM_133432.3); short protein forms M6794T, M7111T, M5867T.
Identifiers: ClinVar variation 203295 (VCV000203295.15), dbSNP rs374408615, ClinGen allele CA311951.

ClinVar aggregate classification (germline): Conflicting classifications of pathogenicity. Review status: criteria provided, conflicting classifications (1 of 4 stars). 7 submissions from 7 submitters: Uncertain significance (5); Likely benign (2). Last evaluated 2026-03-09.

Conditions:
TTN-related disorder. Also called: TTN-related condition; TTN-related disease; TTN-related disorders.
Dilated cardiomyopathy 1G (CMD1G). Identifiers: Orphanet 154, MedGen C1858763, MONDO:0011400, OMIM 604145.
Autosomal recessive limb-girdle muscular dystrophy type 2J (LGMDR10). Also called: Limb-girdle muscular dystrophy, type 2J; MUSCULAR DYSTROPHY, LIMB-GIRDLE, AUTOSOMAL RECESSIVE 10. Identifiers: Orphanet 140922, MedGen C1837342, MONDO:0012127, OMIM 608807.
Early-onset myopathy with fatal cardiomyopathy (CMYO5). Also called: Salih Myopathy; CONGENITAL MYOPATHY 5 WITH CARDIOMYOPATHY. Identifiers: Orphanet 289377, MedGen C2673677, MONDO:0012714, OMIM 611705. Disease mechanism: loss of function.
Tibial muscular dystrophy (TMD). Also called: Tibial muscular dystrophy, tardive; Udd Distal Myopathy – Tibial Muscular Dystrophy; UDD MYOPATHY. Identifiers: Orphanet 609, MedGen C1838244, MONDO:0010870, OMIM 600334.
Myopathy, myofibrillar, 9, with early respiratory failure (MFM9). Also called: Myopathy, distal, with early respiratory failure, autosomal dominant; MYOPATHY, PROXIMAL, WITH EARLY RESPIRATORY MUSCLE INVOLVEMENT; Hereditary myopathy with early respiratory failure; EDSTROM MYOPATHY. Identifiers: Orphanet 178464, Orphanet 34521, MedGen C1863599, MONDO:0011362, OMIM 603689.
Hypertrophic cardiomyopathy 9. Also called: Familial hypertrophic cardiomyopathy 9. Identifiers: MedGen C1861065, MONDO:0013412, OMIM 613765.

Allele frequency attached by ClinVar (database versions not stated): ExAC 0.00002; gnomAD exomes 0.00002 and 0.00003; gnomAD 0.00003; TOPMed 0.00004; ESP Exome Variant Server 0.00008.
gnomAD v4.1: 55 of 1,613,452 alleles (0.0034%); highest among the groups gnomAD compares: Non-Finnish European, 0.0042%; no homozygotes.

Submissions (7):

PreventionGenetics, part of Exact Sciences
Classification: Uncertain significance for TTN-related condition. Last evaluated: 2026-03-09. Review status: criteria provided, single submitter. Criteria: ACMG Guidelines, 2015. Collection method: clinical testing. Allele origin: germline.
Comment: The TTN c.21332T>C variant is predicted to result in the amino acid substitution p.Met7111Thr. To our knowledge, this variant has not been reported in the literature. This variant is reported in 0.0063% of alleles in individuals of European (Non-Finnish) descent in gnomAD. At this time, the clinical significance of this variant is uncertain due to the absence of conclusive functional and genetic evidence.

Women's Health and Genetics/Laboratory Corporation of America, LabCorp
Classification: Uncertain significance. Last evaluated: 2025-11-03. Review status: criteria provided, single submitter. Criteria: LabCorp Variant Classification Summary - May 2015. Collection method: clinical testing. Allele origin: germline.
Comment: Variant summary: TTN c.17600T>C (p.Met5867Thr) results in a non-conservative amino acid change in the encoded protein sequence. Algorithms developed to predict the effect of missense changes on protein structure and function are either unavailable or do not agree on the potential impact of this missense change. The variant allele was found at a frequency of 2.4e-05 in 248392 control chromosomes. The available data on variant occurrences in the general population are insufficient to allow any conclusion about variant significance. To our knowledge, no occurrence of c.17600T>C in individuals affected with TTN-related conditions and no experimental evidence demonstrating its impact on protein function have been reported. ClinVar contains an entry for this variant (Variation ID: 203295). Based on the evidence outlined above, the variant was classified as uncertain significance.

Fulgent Genetics
Classification: Uncertain significance for Tibial muscular dystrophy; Myopathy, myofibrillar, 9, with early respiratory failure; Dilated cardiomyopathy 1G; Autosomal recessive limb-girdle muscular dystrophy type 2J; Early-onset myopathy with fatal cardiomyopathy; Hypertrophic cardiomyopathy 9. Last evaluated: 2024-01-06. Review status: criteria provided, single submitter. Criteria: ACMG Guidelines, 2015. Collection method: clinical testing. Allele origin: germline.

GeneDx
Classification: Likely benign. Last evaluated: 2019-12-12. Review status: criteria provided, single submitter. Criteria: GeneDx Variant Classification Process June 2021. Collection method: clinical testing. Allele origin: germline. Affected: yes.

Revvity Omics, Revvity
Classification: Uncertain significance. Last evaluated: 2019-06-17. Review status: criteria provided, single submitter. Criteria: ACMG Guidelines, 2015. Collection method: clinical testing. Allele origin: germline.

Labcorp Genetics (formerly Invitae), Labcorp
Classification: Uncertain significance for Dilated cardiomyopathy 1G; Autosomal recessive limb-girdle muscular dystrophy type 2J. Last evaluated: 2017-11-10. Review status: criteria provided, single submitter. Criteria: Invitae Variant Classification Sherloc (09022015). Collection method: clinical testing. Allele origin: germline.

Laboratory for Molecular Medicine, Mass General Brigham Personalized Medicine
Classification: Likely benign. Last evaluated: 2015-11-12. Review status: criteria provided, single submitter. Criteria: LMM Criteria. Collection method: clinical testing. Allele origin: germline. Observed: 1 variant allele.
Comment: p.Met5867Thr in exon 70 of TTN: This variant is not expected to have clinical si gnificance due to a lack of conservation across species, including mammals. Of n ote, nine mammals have a Threonine (Thr) at this position. It has also been iden tified in 2/66616 European chromosomes by the Exome Aggregation Consortium (ExAC; dbSNP rs374408615).